The following is an entry in ClinVar:

ClinVar aggregate classification (germline): Uncertain significance (1 of 4 stars; one submission).

Submission:

Ambry Genetics
Classification: Uncertain significance. Last evaluated: 2023-05-18. Review status: criteria provided, single submitter. Criteria: Ambry Variant Classification Scheme 2023. Collection method: clinical testing. Allele origin: germline.
Comment: The p.V743I variant (also known as c.2227G>A), located in coding exon 20 of the SLMAP gene, results from a G to A substitution at nucleotide position 2227. The valine at codon 743 is replaced by isoleucine, an amino acid with highly similar properties. This amino acid position is conserved. In addition, this alteration is predicted to be tolerated by in silico analysis. Since supporting evidence is limited at this time, the clinical significance of this alteration remains unclear.

NM_001377540.1(SLMAP):c.2329G>A (p.Val777Ile)

Gene: SLMAP (sarcolemma associated protein; plus strand). Cytogenetic location: 3p14.3.
Variant type: single nucleotide variant.
Coding change: c.2329G>A on transcript NM_001377540.1 (MANE Select); coding-DNA position 2329, G replaced by A.
Protein change: p.Val777Ile; replaces valine 777 with isoleucine.
Molecular consequence: missense variant. On other transcripts: non-coding transcript variant (1).
Genome position (GRCh38, 1-based): chr3:57,922,907, G>A. VCF-style: chr3-57922907-G-A. GRCh37 (hg19) VCF-style: chr3-57908634-G-A.
Other names: c.2278G>A, p.Val760Ile (NM_001304420.3, NM_001377541.1, NM_001377542.1); c.2164G>A, p.Val722Ile (NM_001304421.2, NM_001377557.1, NM_001377559.1); c.880G>A, p.Val294Ile (NM_001304422.3, NM_001311178.2); c.682G>A, p.Val228Ile (NM_001304423.3); c.2350G>A, p.Val784Ile (NM_001377538.1); c.2329G>A, p.Val777Ile (NM_001377539.1); c.2266G>A, p.Val756Ile (NM_001377545.1); c.2227G>A, p.Val743Ile (NM_001377549.1, NM_007159.5); and 8 more; short protein forms V698I, V739I, V777I, V253I, V736I, V681I, V715I, V722I.
Identifiers: ClinVar variation 2562991 (VCV002562991.2), dbSNP rs2476545389, ClinGen allele CA353410618.